The following is an entry in ClinVar:

ClinVar aggregate classification (germline): Uncertain significance (1 of 4 stars; one submission).

gnomAD v4.1: 8 of 1,577,812 alleles (0.00051%); highest among the groups gnomAD compares: South Asian, 0.0023%; no homozygotes.

Submission:

Labcorp Genetics (formerly Invitae), Labcorp
Classification: Uncertain significance. Last evaluated: 2022-02-11. Review status: criteria provided, single submitter. Criteria: Invitae Variant Classification Sherloc (09022015). Collection method: clinical testing. Allele origin: germline.
Comment: This variant has not been reported in the literature in individuals affected with SPEG-related conditions. The frequency data for this variant in the population databases is considered unreliable, as metrics indicate poor data quality at this position in the gnomAD database. This sequence change replaces arginine, which is basic and polar, with tryptophan, which is neutral and slightly polar, at codon 776 of the SPEG protein (p.Arg776Trp). Algorithms developed to predict the effect of missense changes on protein structure and function are either unavailable or do not agree on the potential impact of this missense change (SIFT: "Deleterious"; PolyPhen-2: "Probably Damaging"; Align-GVGD: "Class C0"). In summary, the available evidence is currently insufficient to determine the role of this variant in disease. Therefore, it has been classified as a Variant of Uncertain Significance.

NM_005876.5(SPEG):c.2326C>T (p.Arg776Trp)

Gene: SPEG (striated muscle enriched protein kinase; plus strand). Cytogenetic location: 2q35.
Variant type: single nucleotide variant.
Coding change: c.2326C>T on transcript NM_005876.5 (MANE Select); coding-DNA position 2326, C replaced by T.
Protein change: p.Arg776Trp; replaces arginine 776 with tryptophan.
Molecular consequence: missense variant.
Genome position (GRCh38, 1-based): chr2:219,451,693, C>T. VCF-style: chr2-219451693-C-T. GRCh37 (hg19) VCF-style: chr2-220316415-C-T.
Other names: short protein forms R776W.
Identifiers: ClinVar variation 1913417 (VCV001913417.3), dbSNP rs1216497785, ClinGen allele CA350730683.
Genomic context (GRCh38, chr2:219,451,693, plus strand): 5'-CACAAGGATGGGTCAGCGCTGCGCAGCGAGGGCCGCCTCCTCCTCCGGGCTGAGGGTGAG[C>T]GGCACACCCTGCTGCTCAGGGAGGCCAGGGCAGCAGATGCCGGGAGCTATATGGCCACCG-3'
Protein context (NP_005867.3, residues 766-786): GRLLLRAEGE[Arg776Trp]HTLLLREARA